The following is an entry in ClinVar:

ClinVar aggregate classification (germline): Uncertain significance (0 of 4 stars; one submission).

Conditions:
INPP5E-related disorder. Also called: INPP5E-related condition.

gnomAD v4.1: 1 of 1,613,918 alleles (0.000062%); highest among the groups gnomAD compares: Non-Finnish European, 0.000085%; no homozygotes.

Submission:

PreventionGenetics, part of Exact Sciences
Classification: Uncertain significance for INPP5E-related condition. Last evaluated: 2024-08-09. Review status: no assertion criteria provided. Collection method: clinical testing. Allele origin: germline.
Comment: The INPP5E c.1842C>T variant is not predicted to result in an amino acid change (p.=). This variant is predicted to impact splicing based on available splicing prediction programs (SpliceAI, Jaganathan K, et al. 2019. PubMed ID: 30661751). To our knowledge, this variant has not been reported in the literature or in a large population database, indicating this variant is rare. At this time, the clinical significance of this variant is uncertain due to the absence of conclusive functional and genetic evidence.

NM_019892.6(INPP5E):c.1842C>T (p.Tyr614=)

Gene: INPP5E (inositol polyphosphate-5-phosphatase E; minus strand). Cytogenetic location: 9q34.3.
Variant type: single nucleotide variant.
Coding change: c.1842C>T on transcript NM_019892.6 (MANE Select); coding-DNA position 1842, C replaced by T.
Protein change: p.Tyr614=; no amino-acid change (tyrosine 614 retained).
Molecular consequence: synonymous variant.
Genome position (GRCh38, 1-based): chr9:136,429,768, G>A on the plus strand (C>T on the coding strand, the complement: INPP5E is on the minus strand). VCF-style: chr9-136429768-G-A. GRCh37 (hg19) VCF-style: chr9-139324220-G-A.
Other names: c.1839C>T, p.Tyr613= (NM_001318502.2).
Identifiers: ClinVar variation 3345854 (VCV003345854.1).